The following is an entry in ClinVar:

ClinVar aggregate classification (germline): Benign/Likely benign. Review status: criteria provided, multiple submitters, no conflicts (2 of 4 stars). 8 submissions from 7 submitters: Benign (2); Likely benign (5). 1 of the submissions does not count toward it. Last evaluated 2026-08-01.

Conditions:
Alpha-N-acetylgalactosaminidase deficiency type 1. Also called: NAGA DEFICIENCY, TYPE I; NEUROAXONAL DYSTROPHY, SCHINDLER TYPE; SCHINDLER DISEASE, TYPE I; ALPHA-N-ACETYLGALACTOSAMINIDASE DEFICIENCY, TYPE I. Identifiers: Orphanet 3137, Orphanet 79279, Orphanet 79281, MedGen C1836544, MONDO:0012221, OMIM 609241.
Alpha-N-acetylgalactosaminidase deficiency type 2. Also called: NAGA DEFICIENCY, TYPE II; SCHINDLER DISEASE, TYPE II; ALPHA-N-ACETYLGALACTOSAMINIDASE DEFICIENCY, TYPE II. Identifiers: Orphanet 3137, Orphanet 79280, MedGen C1836522, MONDO:0012222, OMIM 609242.
NAGA-related disorder. Also called: NAGA-related condition; NAGA-related disorders. Identifiers: MedGen CN378768.

Allele frequency attached by ClinVar (database versions not stated): 1000 Genomes Project 30x 0.00078; 1000 Genomes Project 0.00100; ESP Exome Variant Server 0.00231; TOPMed 0.00272; gnomAD exomes 0.00282; gnomAD 0.00286 and 0.00293; ExAC 0.00325.
gnomAD v4.1: 6,211 of 1,614,118 alleles (0.38%); highest among the groups gnomAD compares: Non-Finnish European, 0.48%; 6 homozygotes.

Submissions (8):

CeGaT Center for Human Genetics Tuebingen
Classification: Likely benign. Last evaluated: 2026-08-01. Review status: criteria provided, single submitter. Criteria: CeGaT Center For Human Genetics Tuebingen Variant Classification Criteria Version 2. Collection method: clinical testing. Allele origin: germline. Affected: yes. Observed: 16 variant alleles.
Comment: NAGA: BP4, BP7

Labcorp Genetics (formerly Invitae), Labcorp
Classification: Benign for Alpha-N-acetylgalactosaminidase deficiency type 1. Last evaluated: 2026-02-01. Review status: criteria provided, single submitter. Criteria: Invitae Variant Classification Sherloc (09022015). Collection method: clinical testing. Allele origin: germline.

Mayo Clinic Laboratories, Mayo Clinic
Classification: Benign. Last evaluated: 2025-02-03. Review status: criteria provided, single submitter. Criteria: ACMG Guidelines, 2015. Collection method: clinical testing. Allele origin: germline. Observed: 5 variant alleles.
Comment: BA1, BP4, BP7

Blueprint Genetics
Classification: Likely benign. Last evaluated: 2024-11-25. Review status: criteria provided, single submitter. Criteria: ACMG Guidelines, 2015. Collection method: clinical testing. Allele origin: germline.

Illumina Laboratory Services, Illumina
Classification: Likely benign for Alpha-N-acetylgalactosaminidase deficiency type 2. Last evaluated: 2018-01-12. Review status: criteria provided, single submitter. Criteria: ICSL Variant Classification Criteria 13 December 2019. Collection method: clinical testing. Allele origin: germline.
Comment: This variant was observed in the ICSL laboratory as part of a predisposition screen in an ostensibly healthy population. It had not been previously curated by ICSL or reported in the Human Gene Mutation Database (HGMD: prior to June 1st, 2018), and was therefore a candidate for classification through an automated scoring system. Utilizing variant allele frequency, disease prevalence and penetrance estimates, and inheritance mode, an automated score was calculated to assess if this variant is too frequent to cause the disease. Based on the score and internal cut-off values, a variant classified as likely benign is not then subjected to further curation. The score for this variant resulted in a classification of likely benign for this disease.

Illumina Laboratory Services, Illumina
Classification: Likely benign for Alpha-N-acetylgalactosaminidase deficiency type 1. Last evaluated: 2018-01-12. Review status: criteria provided, single submitter. Criteria: ICSL Variant Classification Criteria 13 December 2019. Collection method: clinical testing. Allele origin: germline.
Comment: the same text as in the submission from Illumina Laboratory Services, Illumina above.

Breakthrough Genomics
Classification: Likely benign. Review status: criteria provided, single submitter. Criteria: ACMG Guidelines, 2015. Collection method: not provided. Allele origin: germline. Inheritance: Autosomal recessive inheritance. Affected: yes.

PreventionGenetics, part of Exact Sciences
Classification: Likely benign for NAGA-related condition. Last evaluated: 2019-05-15. Review status: no assertion criteria provided. Collection method: clinical testing. Allele origin: germline. Not counted in ClinVar's aggregate classification.
Comment: This variant is classified as likely benign based on ACMG/AMP sequence variant interpretation guidelines (Richards et al. 2015 PMID: 25741868, with internal and published modifications).

NM_000262.3(NAGA):c.25C>T (p.Leu9=)

Genes: NAGA (alpha-N-acetylgalactosaminidase; minus strand), LOC126863160 (CDK7 strongly-dependent group 2 enhancer GRCh37_chr22:42462918-42464117; plus strand). Cytogenetic location: 22q13.2.
Variant type: single nucleotide variant.
Coding change: c.25C>T on transcript NM_000262.3 (MANE Select); coding-DNA position 25, C replaced by T.
Protein change: p.Leu9=; no amino-acid change (leucine 9 retained).
Molecular consequence: synonymous variant.
Genome position (GRCh38, 1-based): chr22:42,068,566, G>A on the plus strand (C>T on the coding strand, the complement: NAGA is on the minus strand). VCF-style: chr22-42068566-G-A. GRCh37 (hg19) VCF-style: chr22-42464570-G-A.
Other names: p.Leu9=; c.25C>T, p.Leu9= (NM_001362848.1, NM_001362850.1).
Identifiers: ClinVar variation 341914 (VCV000341914.51), dbSNP rs147528904, ClinGen allele CA10263949.